The following is an entry in ClinVar:

ClinVar aggregate classification (germline): Benign/Likely benign. Review status: criteria provided, multiple submitters, no conflicts (2 of 4 stars). 6 submissions from 3 submitters: Benign (5); Likely benign (1). Last evaluated 2022-07-26.

Conditions:
Dilated cardiomyopathy 1G (CMD1G). Identifiers: Orphanet 154, MedGen C1858763, MONDO:0011400, OMIM 604145.
Autosomal recessive limb-girdle muscular dystrophy type 2J (LGMDR10). Also called: Limb-girdle muscular dystrophy, type 2J; MUSCULAR DYSTROPHY, LIMB-GIRDLE, AUTOSOMAL RECESSIVE 10. Identifiers: Orphanet 140922, MedGen C1837342, MONDO:0012127, OMIM 608807.
Early-onset myopathy with fatal cardiomyopathy (CMYO5). Also called: Salih Myopathy; CONGENITAL MYOPATHY 5 WITH CARDIOMYOPATHY. Identifiers: Orphanet 289377, MedGen C2673677, MONDO:0012714, OMIM 611705. Disease mechanism: loss of function.
Tibial muscular dystrophy (TMD). Also called: UDD MYOPATHY; Tibial muscular dystrophy, tardive; Udd Distal Myopathy – Tibial Muscular Dystrophy. Identifiers: Orphanet 609, MedGen C1838244, MONDO:0010870, OMIM 600334.
Myopathy, myofibrillar, 9, with early respiratory failure (MFM9). Also called: Hereditary myopathy with early respiratory failure; MYOPATHY, PROXIMAL, WITH EARLY RESPIRATORY MUSCLE INVOLVEMENT; Myopathy, distal, with early respiratory failure, autosomal dominant; EDSTROM MYOPATHY. Identifiers: Orphanet 178464, Orphanet 34521, MedGen C1863599, MONDO:0011362, OMIM 603689.

Allele frequency attached by ClinVar (database versions not stated): gnomAD 0.00011; gnomAD exomes 0.00004.

Submissions (6):

Labcorp Genetics (formerly Invitae), Labcorp
Classification: Likely benign for Dilated cardiomyopathy 1G; Autosomal recessive limb-girdle muscular dystrophy type 2J. Last evaluated: 2022-07-26. Review status: criteria provided, single submitter. Criteria: Invitae Variant Classification Sherloc (09022015). Collection method: clinical testing. Allele origin: germline.

Genome-Nilou Lab
Classification: Benign for Autosomal recessive limb-girdle muscular dystrophy type 2J. Last evaluated: 2021-09-10. Review status: criteria provided, single submitter. Criteria: ACMG Guidelines, 2015. Collection method: clinical testing. Allele origin: germline. Affected: no.

Genome-Nilou Lab
Classification: Benign for Myopathy, myofibrillar, 9, with early respiratory failure. Last evaluated: 2021-09-10. Review status: criteria provided, single submitter. Criteria: ACMG Guidelines, 2015. Collection method: clinical testing. Allele origin: germline. Affected: no.

Genome-Nilou Lab
Classification: Benign for Early-onset myopathy with fatal cardiomyopathy. Last evaluated: 2021-09-10. Review status: criteria provided, single submitter. Criteria: ACMG Guidelines, 2015. Collection method: clinical testing. Allele origin: germline. Affected: no.

Genome-Nilou Lab
Classification: Benign for Tibial muscular dystrophy. Last evaluated: 2021-09-10. Review status: criteria provided, single submitter. Criteria: ACMG Guidelines, 2015. Collection method: clinical testing. Allele origin: germline. Affected: no.

GeneDx
Classification: Benign. Last evaluated: 2014-05-06. Review status: criteria provided, single submitter. Criteria: GeneDx Variant Classification (06012015). Collection method: clinical testing. Allele origin: germline. Affected: yes.
Comment: This variant is considered likely benign or benign based on one or more of the following criteria: it is a conservative change, it occurs at a poorly conserved position in the protein, it is predicted to be benign by multiple in silico algorithms, and/or has population frequency not consistent with disease.

NM_001267550.2(TTN):c.38256G>A (p.Pro12752=)

Gene: TTN (titin; minus strand). Cytogenetic location: 2q31.2.
Variant type: single nucleotide variant.
Coding change: c.38256G>A on transcript NM_001267550.2 (MANE Select); coding-DNA position 38256, G replaced by A.
Protein change: p.Pro12752=; no amino-acid change (proline 12752 retained).
Molecular consequence: synonymous variant. On other transcripts: intron variant (5).
Genome position (GRCh38, 1-based): chr2:178,654,485, C>T on the plus strand (G>A on the coding strand, the complement: TTN is on the minus strand). VCF-style: chr2-178654485-C-T. GRCh37 (hg19) VCF-style: chr2-179519212-C-T.
Other names: p.P12752P:CCG>CCA; c.13283-12168G>A (NM_003319.4); c.13859-12168G>A (NM_133437.4); c.13658-12168G>A (NM_133432.3); c.31742-1944G>A (NM_133378.4); c.34523-1944G>A (NM_001256850.1).
Identifiers: ClinVar variation 137786 (VCV000137786.15), dbSNP rs794728014, ClinGen allele CA291448.